The following is an entry in ClinVar:

ClinVar aggregate classification (germline): Likely pathogenic. Review status: criteria provided, multiple submitters, no conflicts (2 of 4 stars). 2 submissions from 2 submitters: Likely pathogenic (2). Last evaluated 2019-01-01.

Conditions:
Landau-Kleffner syndrome (FESD). Also called: EPILEPSY, FOCAL, WITH SPEECH DISORDER AND WITH OR WITHOUT MENTAL RETARDATION; APHASIA, ACQUIRED, WITH EPILEPSY. Identifiers: Orphanet 1945, Orphanet 725, Orphanet 98818, MedGen C0282512, MONDO:0009509, OMIM 245570.

Submissions (2):

Institute of Human Genetics, University of Leipzig Medical Center
Classification: Likely pathogenic for Landau-Kleffner syndrome. Last evaluated: 2019-01-01. Review status: criteria provided, single submitter. Criteria: ACMG Guidelines, 2015. Collection method: research. Allele origin: de novo. Affected: yes.

GeneDx
Classification: Likely pathogenic. Last evaluated: 2016-11-17. Review status: criteria provided, single submitter. Criteria: GeneDx Variant Classification (06012015). Collection method: clinical testing. Allele origin: germline. Affected: yes.
Comment: The A548P variant has not been published as a pathogenic variant, nor has it been reported as a benign variant to our knowledge. It was not observed in approximately 6,500 individuals of European and African American ancestry in the NHLBI Exome Sequencing Project, indicating it is not a common benign variant in these populations. The A548P variant is a semi-conservative amino acid substitution, which may impact secondary protein structure as these residues differ in some properties. This substitution occurs at a position that is conserved across species, and in silico analysis predicts the A548P variant is probably damaging to the protein structure/function. Additionally, different missense variants at the same codon (A548T) and in a nearby residue (R552R) have been reported in association with Landau-Kleffner syndrome and intellectual disability, respectively (Lesca et al., 2013; Stenson et al., 2014). Therefore, the A548P variant is likely pathogenic; however, the possibility that it is benign cannot be excluded.

Literature cited by the submitters: PubMed 30544257 (cited by Institute of Human Genetics, University of Leipzig Medical Center).

NM_001134407.3(GRIN2A):c.1642G>C (p.Ala548Pro)

Gene: GRIN2A (glutamate ionotropic receptor NMDA type subunit 2A; minus strand). Cytogenetic location: 16p13.2.
Variant type: single nucleotide variant.
Coding change: c.1642G>C on transcript NM_001134407.3 (MANE Select); coding-DNA position 1642, G replaced by C.
Protein change: p.Ala548Pro; replaces alanine 548 with proline.
Molecular consequence: missense variant.
Genome position (GRCh38, 1-based): chr16:9,840,656, C>G on the plus strand (G>C on the coding strand, the complement: GRIN2A is on the minus strand). VCF-style: chr16-9840656-C-G. GRCh37 (hg19) VCF-style: chr16-9934513-C-G.
Other names: c.1642G>C, p.Ala548Pro (NM_000833.5, NM_001134408.2); short protein forms A548P.
Identifiers: ClinVar variation 390621 (VCV000390621.3), dbSNP rs1057523843, ClinGen allele CA16607161.
Genomic context (GRCh38, chr16:9,840,656, plus strand): 5'-TTTCCTACAATTCCTTATAGGAAAGCAATAGTCACTATGAAATTCACACACCTAGAAAAG[C>G]AGAAGGTGAGACGGTGCCATTACTTCTTGAAACCATGACACTGATTCCCGTTTCCACAAA-3'
Protein context (NP_001127879.1, residues 538-558): SRSNGTVSPS[Ala548Pro]FLEPFSASVW